The following is an entry in ClinVar:

NM_002439.5(MSH3):c.1693G>A (p.Asp565Asn)

Gene: MSH3 (mutS homolog 3; plus strand). Cytogenetic location: 5q14.1.
Variant type: single nucleotide variant.
Coding change: c.1693G>A on transcript NM_002439.5 (MANE Select); coding-DNA position 1693, G replaced by A.
Protein change: p.Asp565Asn; replaces aspartic acid 565 with asparagine.
Molecular consequence: missense variant.
Genome position (GRCh38, 1-based): chr5:80,744,545, G>A. VCF-style: chr5-80744545-G-A. GRCh37 (hg19) VCF-style: chr5-80040364-G-A.
Other names: short protein forms D565N.
Identifiers: ClinVar variation 1011556 (VCV001011556.8), dbSNP rs1743679702, ClinGen allele CA360274703.

ClinVar aggregate classification (germline): Uncertain significance (1 of 4 stars; one submission).

Submission:

Labcorp Genetics (formerly Invitae), Labcorp
Classification: Uncertain significance. Last evaluated: 2018-04-08. Review status: criteria provided, single submitter. Criteria: Invitae Variant Classification Sherloc (09022015). Collection method: clinical testing. Allele origin: germline.
Comment: This variant is not present in population databases (ExAC no frequency). This sequence change replaces aspartic acid with asparagine at codon 565 of the MSH3 protein (p.Asp565Asn). The aspartic acid residue is highly conserved and there is a small physicochemical difference between aspartic acid and asparagine. This variant has not been reported in the literature in individuals with MSH3-related disease. Algorithms developed to predict the effect of missense changes on protein structure and function do not agree on the potential impact of this missense change (SIFT: "Deleterious"; PolyPhen-2: "Possibly Damaging"; Align-GVGD: "Class C0"). In summary, the available evidence is currently insufficient to determine the role of this variant in disease. Therefore, it has been classified as a Variant of Uncertain Significance.